The following is an entry in ClinVar:

NM_000038.6(APC):c.-18-396T>A

Gene: APC (APC regulator of WNT signaling pathway; plus strand). Cytogenetic location: 5q22.2.
Variant type: single nucleotide variant.
Coding change: c.-18-396T>A on transcript NM_000038.6 (MANE Select); 396 bases into the intron before 18 bases upstream of the start codon, T replaced by A.
Molecular consequence: intron variant.
Genome position (GRCh38, 1-based): chr5:112,754,477, T>A. VCF-style: chr5-112754477-T-A. GRCh37 (hg19) VCF-style: chr5-112090174-T-A.
Other names: c.-18-396T>A (NM_001354895.2, NM_001127510.3, NM_001354896.2 and 2 more transcripts); c.166-11849T>A (NM_001354897.2, NM_001354902.2, NM_001127511.3); c.61-11849T>A (NM_001354898.2, NM_001354904.2); c.-1053-396T>A (NM_001354906.2); c.-42-11849T>A (NM_001354900.2, NM_001354901.2, NM_001354905.2).
Identifiers: ClinVar variation 82815 (VCV000082815.2), dbSNP rs80230956, ClinGen allele CA006076.

ClinVar aggregate classification (germline): other (0 of 4 stars; one submission).

Conditions:
Familial colorectal cancer. Identifiers: MedGen CN280943, MONDO:0023113. Disease mechanism: loss of function.

Submission:

Systems Biology Platform Zhejiang California International NanoSystems Institute
Classification: other for Familial colorectal cancer. Review status: no assertion criteria provided. Collection method: not provided. Allele origin: unknown.
ClinVar note: Converted during submission from cancer to other.